The following is an entry in ClinVar:

ClinVar aggregate classification (germline): Uncertain significance (1 of 4 stars; one submission).

Conditions:
Fanconi anemia (FA). Also called: Fanconi's anemia. Identifiers: Orphanet 84, MedGen C0015625, MeSH D005199, MONDO:0019391.

gnomAD v4.1: 3 of 1,611,840 alleles (0.00019%); highest among the groups gnomAD compares: African/African-American, 0.004%; no homozygotes.

Submission:

Labcorp Genetics (formerly Invitae), Labcorp
Classification: Uncertain significance for Fanconi anemia. Last evaluated: 2025-11-10. Review status: criteria provided, single submitter. Criteria: Invitae Variant Classification Sherloc (09022015). Collection method: clinical testing. Allele origin: germline.
Comment: This sequence change replaces serine, which is neutral and polar, with proline, which is neutral and non-polar, at codon 726 of the FANCD2 protein (p.Ser726Pro). This variant is present in population databases (no rsID available, gnomAD 0.007%). This variant has not been reported in the literature in individuals affected with FANCD2-related conditions. Invitae Evidence Modeling of protein sequence and biophysical properties (such as structural, functional, and spatial information, amino acid conservation, physicochemical variation, residue mobility, and thermodynamic stability) indicates that this missense variant is expected to disrupt FANCD2 protein function with a positive predictive value of 80%. In summary, the available evidence is currently insufficient to determine the role of this variant in disease. Therefore, it has been classified as a Variant of Uncertain Significance.

NM_001018115.3(FANCD2):c.2176T>C (p.Ser726Pro)

Genes: FANCD2 (FA complementation group D2; plus strand), LOC107303338 (3p25 FANCD2 Alu-mediated recombination region; plus strand). Cytogenetic location: 3p25.3.
Variant type: single nucleotide variant.
Coding change: c.2176T>C on transcript NM_001018115.3 (MANE Select); coding-DNA position 2176, T replaced by C.
Protein change: p.Ser726Pro; replaces serine 726 with proline.
Molecular consequence: missense variant.
Genome position (GRCh38, 1-based): chr3:10,065,401, T>C. VCF-style: chr3-10065401-T-C. GRCh37 (hg19) VCF-style: chr3-10107085-T-C.
Other names: c.2176T>C, p.Ser726Pro (NM_001319984.2, NM_001374254.1, NM_033084.6); c.2065T>C, p.Ser689Pro (NM_001374253.1); short protein forms S689P, S726P.
Identifiers: ClinVar variation 4698598 (VCV004698598.1).